The following is an entry in ClinVar:

NM_002470.4(MYH3):c.2559G>A (p.Met853Ile)

Gene: MYH3 (myosin heavy chain 3; minus strand). Cytogenetic location: 17p13.1.
Variant type: single nucleotide variant.
Coding change: c.2559G>A on transcript NM_002470.4 (MANE Select); coding-DNA position 2559, G replaced by A.
Protein change: p.Met853Ile; replaces methionine 853 with isoleucine.
Molecular consequence: missense variant.
Genome position (GRCh38, 1-based): chr17:10,640,119, C>T on the plus strand (G>A on the coding strand, the complement: MYH3 is on the minus strand). VCF-style: chr17-10640119-C-T. GRCh37 (hg19) VCF-style: chr17-10543436-C-T.
Other names: c.2559G>A (NM_002470.3); short protein forms M853I.
Identifiers: ClinVar variation 3251651 (VCV003251651.2), dbSNP rs774934408.

ClinVar aggregate classification (germline): Uncertain significance. Review status: criteria provided, multiple submitters, no conflicts (2 of 4 stars). 2 submissions from 2 submitters: Uncertain significance (2). Last evaluated 2025-06-10.

Conditions:
Inborn genetic diseases. Identifiers: MedGen C0950123, MeSH D030342.

Allele frequency attached by ClinVar (database versions not stated): TOPMed 0.00003; gnomAD 0.00001; ExAC 0.00005; gnomAD exomes 0.00001.
gnomAD v4.1: 9 of 1,614,092 alleles (0.00056%); highest among the groups gnomAD compares: East Asian, 0.02%; no homozygotes.

Submissions (2):

Ambry Genetics
Classification: Uncertain significance for Inborn genetic diseases. Last evaluated: 2025-06-10. Review status: criteria provided, single submitter. Criteria: Ambry Variant Classification Scheme 2023. Collection method: clinical testing. Allele origin: germline.

Women's Health and Genetics/Laboratory Corporation of America, LabCorp
Classification: Uncertain significance. Last evaluated: 2024-04-26. Review status: criteria provided, single submitter. Criteria: LabCorp Variant Classification Summary - May 2015. Collection method: clinical testing. Allele origin: germline.
Comment: Variant summary: MYH3 c.2559G>A (p.Met853Ile) results in a conservative amino acid change located in the Myosin tail (IPR002928) of the encoded protein sequence. Three of five in-silico tools predict a benign effect of the variant on protein function. The variant allele was found at a frequency of 4e-05 in 251494 control chromosomes. The available data on variant occurrences in the general population are insufficient to allow any conclusion about variant significance. To our knowledge, no occurrence of c.2559G>A in individuals affected with MYH3-Related Disorders and no experimental evidence demonstrating its impact on protein function have been reported. No submitters have cited clinical-significance assessments for this variant to ClinVar. Based on the evidence outlined above, the variant was classified as uncertain significance.